The following is an entry in ClinVar:

NM_004369.4(COL6A3):c.6203G>A (p.Gly2068Asp)

Gene: COL6A3 (collagen type VI alpha 3 chain; minus strand). Cytogenetic location: 2q37.3.
Variant type: single nucleotide variant.
Coding change: c.6203G>A on transcript NM_004369.4 (MANE Select); coding-DNA position 6203, G replaced by A.
Protein change: p.Gly2068Asp; replaces glycine 2068 with aspartic acid.
Molecular consequence: missense variant.
Genome position (GRCh38, 1-based): chr2:237,361,128, C>T on the plus strand (G>A on the coding strand, the complement: COL6A3 is on the minus strand). VCF-style: chr2-237361128-C-T. GRCh37 (hg19) VCF-style: chr2-238269771-C-T.
Other names: c.4382G>A, p.Gly1461Asp (NM_057166.5); c.5585G>A, p.Gly1862Asp (NM_057167.4); short protein forms G1461D, G1862D, G2068D.
Identifiers: ClinVar variation 1428503 (VCV001428503.6), dbSNP rs963783516, ClinGen allele CA351217384.

ClinVar aggregate classification (germline): Uncertain significance (1 of 4 stars; one submission).

Conditions:
Bethlem myopathy 1A. Also called: MYOPATHY, BENIGN CONGENITAL, WITH CONTRACTURES; Bethlem Muscular Dystrophy; Bethlem myopathy 1. Identifiers: Orphanet 610, MedGen CN029274, MONDO:0024530, OMIM 158810.

Submission:

Labcorp Genetics (formerly Invitae), Labcorp
Classification: Uncertain significance for Bethlem myopathy 1A. Last evaluated: 2022-03-08. Review status: criteria provided, single submitter. Criteria: Invitae Variant Classification Sherloc (09022015). Collection method: clinical testing. Allele origin: germline.
Comment: This variant disrupts the triple helix domain of COL6A3. Glycine residues within the Gly-Xaa-Yaa repeats of the triple helix domain are required for the structure and stability of fibrillar collagens (PMID: 7695699, 8218237, 19344236). In COL6A3, missense variants at these glycine residues are significantly enriched in individuals with autosomal dominant disease (PMID: 15689448, 24038877) compared to the general population (ExAC). This sequence change replaces glycine, which is neutral and non-polar, with aspartic acid, which is acidic and polar, at codon 2068 of the COL6A3 protein (p.Gly2068Asp). This variant is not present in population databases (gnomAD no frequency). This missense change has been observed in individual(s) with clinical features of autosomal dominant COL6A3-related conditions (Invitae). Advanced modeling of protein sequence and biophysical properties (such as structural, functional, and spatial information, amino acid conservation, physicochemical variation, residue mobility, and thermodynamic stability) performed at Invitae indicates that this missense variant is expected to disrupt COL6A3 protein function. In summary, the available evidence is currently insufficient to determine the role of this variant in disease. Therefore, it has been classified as a Variant of Uncertain Significance.

Literature cited by the submitters: PubMed 7695699; PubMed 8218237; PubMed 19344236; PubMed 15689448; PubMed 24038877.